The following is an entry in ClinVar:

ClinVar aggregate classification (germline): Uncertain significance. Review status: criteria provided, multiple submitters, no conflicts (2 of 4 stars). 2 submissions from 2 submitters: Uncertain significance (2). Last evaluated 2024-02-19.

Conditions:
Malignant hyperthermia, susceptibility to, 5 (MHS5). Also called: CACNA1S-Related Malignant Hyperthermia Susceptibility. Identifiers: Orphanet 423, MedGen C1866077, MONDO:0011163, OMIM 601887.
Hypokalemic periodic paralysis, type 1. Also called: Hypokalemic Periodic Paralysis Type 1 (AD); HypoPP. Identifiers: Orphanet 681, MedGen C3714580, MONDO:0042979, OMIM 170400.

Allele frequency attached by ClinVar (database versions not stated): gnomAD 0.00001; gnomAD exomes 0.00001; TOPMed 0.00002; ESP Exome Variant Server 0.00008.

Submissions (2):

Labcorp Genetics (formerly Invitae), Labcorp
Classification: Uncertain significance for Hypokalemic periodic paralysis, type 1; Malignant hyperthermia, susceptibility to, 5. Last evaluated: 2024-02-19. Review status: criteria provided, single submitter. Criteria: Invitae Variant Classification Sherloc (09022015). Collection method: clinical testing. Allele origin: germline.
Comment: This sequence change replaces alanine, which is neutral and non-polar, with threonine, which is neutral and polar, at codon 1486 of the CACNA1S protein (p.Ala1486Thr). This variant is present in population databases (rs148822250, gnomAD 0.01%). This variant has not been reported in the literature in individuals affected with CACNA1S-related conditions. Advanced modeling of protein sequence and biophysical properties (such as structural, functional, and spatial information, amino acid conservation, physicochemical variation, residue mobility, and thermodynamic stability) performed at Invitae indicates that this missense variant is not expected to disrupt CACNA1S protein function with a negative predictive value of 80%. In summary, the available evidence is currently insufficient to determine the role of this variant in disease. Therefore, it has been classified as a Variant of Uncertain Significance.

All of Us Research Program, National Institutes of Health
Classification: Uncertain significance for Malignant hyperthermia, susceptibility to, 5. Last evaluated: 2023-10-02. Review status: criteria provided, single submitter. Criteria: ACMG Guidelines, 2015. Collection method: clinical testing. Allele origin: germline. Inheritance: Autosomal dominant inheritance. Observed: 1 variant allele, 1 heterozygote.
Comment: This missense variant replaces alanine with threonine at codon 1486 of the CACNA1S protein. Computational prediction suggests that this variant may not impact protein structure and function (internally defined REVEL score threshold <= 0.5, PMID: 27666373). To our knowledge, functional studies have not been reported for this variant. This variant has not been reported in individuals affected with CACNA1S-related disorders in the literature. This variant has been identified in 2/31392 chromosomes in the general population by the Genome Aggregation Database (gnomAD). The available evidence is insufficient to determine the role of this variant in disease conclusively. Therefore, this variant is classified as a Variant of Uncertain Significance.

This study involves interpretation of variants in research participants for the purpose of population health screening. Participant phenotype was not available at the time of variant classification. Additional details can be found in publication PMID: 35346344, PMCID: PMC8962531

NM_000069.3(CACNA1S):c.4456G>A (p.Ala1486Thr)

Gene: CACNA1S (calcium voltage-gated channel subunit alpha1 S; minus strand). Cytogenetic location: 1q32.1.
Variant type: single nucleotide variant.
Coding change: c.4456G>A on transcript NM_000069.3 (MANE Select); coding-DNA position 4456, G replaced by A.
Protein change: p.Ala1486Thr; replaces alanine 1486 with threonine.
Molecular consequence: missense variant.
Genome position (GRCh38, 1-based): chr1:201,047,612, C>T on the plus strand (G>A on the coding strand, the complement: CACNA1S is on the minus strand). VCF-style: chr1-201047612-C-T. GRCh37 (hg19) VCF-style: chr1-201016740-C-T.
Other names: short protein forms A1486T.
Identifiers: ClinVar variation 2923357 (VCV002923357.4), dbSNP rs148822250, ClinGen allele CA35996669.